The following is an entry in ClinVar:

NM_002691.4(POLD1):c.2926G>A (p.Glu976Lys)

Gene: POLD1 (DNA polymerase delta 1, catalytic subunit; plus strand). Cytogenetic location: 19q13.33.
Variant type: single nucleotide variant.
Coding change: c.2926G>A on transcript NM_002691.4 (MANE Select); coding-DNA position 2926, G replaced by A.
Protein change: p.Glu976Lys; replaces glutamic acid 976 with lysine.
Molecular consequence: missense variant. On other transcripts: non-coding transcript variant (1).
Genome position (GRCh38, 1-based): chr19:50,416,501, G>A. VCF-style: chr19-50416501-G-A. GRCh37 (hg19) VCF-style: chr19-50919758-G-A.
Other names: c.2926G>A, p.Glu976Lys (NM_001256849.1); c.3004G>A, p.Glu1002Lys (NM_001308632.1); c.2926G>A (NM_002691.2); short protein forms E1002K, E976K.
Identifiers: ClinVar variation 469308 (VCV000469308.17), dbSNP rs750457028, ClinGen allele CA9596685.

ClinVar aggregate classification (germline): Uncertain significance. Review status: criteria provided, multiple submitters, no conflicts (2 of 4 stars). 6 submissions from 6 submitters: Uncertain significance (6). Last evaluated 2026-08-06.

Conditions:
Hereditary cancer-predisposing syndrome. Also called: Neoplastic Syndromes, Hereditary; Hereditary neoplastic syndrome; Tumor predisposition; Hereditary Cancer Syndrome. Identifiers: Orphanet 140162, MedGen C0027672, MeSH D009386, MONDO:0015356.
POLD1-related polyposis and colorectal cancer syndrome (CRCS10). Also called: Colorectal cancer 10; COLORECTAL CANCER, SUSCEPTIBILITY TO, ON CHROMOSOME 19q; Colorectal cancer, susceptibility to, 10. Identifiers: Orphanet 220460, MedGen C2675481, MONDO:0012953, OMIM 612591.

Allele frequency attached by ClinVar (database versions not stated): gnomAD 0.00001; gnomAD exomes 0.00001; TOPMed 0.00003; ExAC 0.00005.
gnomAD v4.1: 12 of 1,552,376 alleles (0.00077%); highest among the groups gnomAD compares: African/African-American, 0.0014%; no homozygotes.

Submissions (6):

OLLIN Analises Genomicas, OLLIN
Classification: Uncertain significance for POLD1-related polyposis and colorectal cancer syndrome. Last evaluated: 2026-08-06. Review status: criteria provided, single submitter. Criteria: ACMG Guidelines 2015 PMID 25741868. Collection method: clinical testing. Allele origin: germline. Inheritance: Autosomal recessive inheritance.
Comment: This missense variant, located in exon 23 (of 27), has been reported in ClinVar (accession VCV000469308.15) and in gnomAD with an allele frequency of 0.00077%. However, to our knowledge, it has not been reported in the scientific literature. In silico analysis predicts that this variant has a tolerated effect. According to the currently available evidence, this variant has been classified as uncertain significance (BP4).

Labcorp Genetics (formerly Invitae), Labcorp
Classification: Uncertain significance for POLD1-related polyposis and colorectal cancer syndrome. Last evaluated: 2026-01-16. Review status: criteria provided, single submitter. Criteria: Invitae Variant Classification Sherloc (09022015). Collection method: clinical testing. Allele origin: germline.
Comment: This sequence change replaces glutamic acid, which is acidic and polar, with lysine, which is basic and polar, at codon 976 of the POLD1 protein (p.Glu976Lys). The frequency data for this variant in the population databases is considered unreliable, as metrics indicate poor data quality at this position in the gnomAD database. This variant has not been reported in the literature in individuals affected with POLD1-related conditions. ClinVar contains an entry for this variant (Variation ID: 469308). Invitae Evidence Modeling of protein sequence and biophysical properties (such as structural, functional, and spatial information, amino acid conservation, physicochemical variation, residue mobility, and thermodynamic stability) indicates that this missense variant is not expected to disrupt POLD1 protein function with a negative predictive value of 80%. In summary, the available evidence is currently insufficient to determine the role of this variant in disease. Therefore, it has been classified as a Variant of Uncertain Significance.

Women's Health and Genetics/Laboratory Corporation of America, LabCorp
Classification: Uncertain significance. Last evaluated: 2025-04-11. Review status: criteria provided, single submitter. Criteria: LabCorp Variant Classification Summary - May 2015. Collection method: clinical testing. Allele origin: germline.
Comment: Variant summary: POLD1 c.2926G>A (p.Glu976Lys) results in a conservative amino acid change in the encoded protein sequence. Three of five in-silico tools predict a damaging effect of the variant on protein function. The variant allele was found at a frequency of 6.3e-06 in 158194 control chromosomes. The available data on variant occurrences in the general population are insufficient to allow any conclusion about variant significance. c.2926G>A has been observed in at-least one individual with a personal history of breast cancer and family history of breast and ovarian cancer, in which segregation was not established, and at-least one individual with pancreatic adenocarcinoma with a family history of pancreatic, gastrointestinal, and gastric cancer, in which segregation was not established (example: deOliveira_2022, Rodrigues_2024). These report(s) do not provide unequivocal conclusions about association of the variant with Colorectal Cancer. To our knowledge, no experimental evidence demonstrating an impact on protein function has been reported. The following publications have been ascertained in the context of this evaluation (PMID: 39256447, 35534704). ClinVar contains an entry for this variant (Variation ID: 469308). Based on the evidence outlined above, the variant was classified as uncertain significance.

Ambry Genetics
Classification: Uncertain significance for Hereditary cancer-predisposing syndrome. Last evaluated: 2024-11-08. Review status: criteria provided, single submitter. Criteria: Ambry Variant Classification Scheme 2023. Collection method: clinical testing. Allele origin: germline.
Comment: The p.E976K variant (also known as c.2926G>A), located in coding exon 22 of the POLD1 gene, results from a G to A substitution at nucleotide position 2926. The glutamic acid at codon 976 is replaced by lysine, an amino acid with similar properties. This amino acid position is well conserved in available vertebrate species. In addition, this alteration is predicted to be tolerated by in silico analysis. Based on the available evidence, the clinical significance of this variant remains unclear.

GeneDx
Classification: Uncertain significance. Last evaluated: 2023-03-02. Review status: criteria provided, single submitter. Criteria: GeneDx Variant Classification Process June 2021. Collection method: clinical testing. Allele origin: germline. Affected: yes.
Comment: Not observed at significant frequency in large population cohorts (gnomAD); In silico analysis supports that this missense variant has a deleterious effect on protein structure/function; Has not been previously published as pathogenic or benign to our knowledge; This variant is associated with the following publications: (PMID: 29056344, 32041611, 33569431)

Blueprint Genetics
Classification: Uncertain significance. Last evaluated: 2022-09-12. Review status: criteria provided, single submitter. Criteria: ACMG Guidelines, 2015. Collection method: clinical testing. Allele origin: germline.

Literature cited by the submitters: PubMed 32041611 (cited by Women's Health and Genetics/Laboratory Corporation of America, LabCorp); PubMed 35534704 (cited by Women's Health and Genetics/Laboratory Corporation of America, LabCorp); PubMed 39256447 (cited by Women's Health and Genetics/Laboratory Corporation of America, LabCorp); PubMed 38933898 (cited by Women's Health and Genetics/Laboratory Corporation of America, LabCorp); PubMed 36553094 (cited by Women's Health and Genetics/Laboratory Corporation of America, LabCorp).